The following is an entry in ClinVar:

ClinVar aggregate classification (germline): Benign. Review status: criteria provided, multiple submitters, no conflicts (2 of 4 stars). 4 submissions from 4 submitters: Benign (4). Last evaluated 2026-05-12.

Conditions:
3M syndrome 1. Also called: 3-M Syndrome, CUL7-Related. Identifiers: Orphanet 2616, MedGen C2678312, MONDO:0010117, OMIM 273750.

Allele frequency attached by ClinVar (database versions not stated): gnomAD 0.00133 and 0.00094; TOPMed 0.00117; 1000 Genomes Project 30x 0.00234; ESP Exome Variant Server 0.00085; 1000 Genomes Project 0.00300; gnomAD exomes 0.00302; ExAC 0.00318.
gnomAD v4.1: 3,342 of 1,614,196 alleles (0.21%); highest among the groups gnomAD compares: South Asian, 1.6%; 36 homozygotes.

Submissions (7):

Women's Health and Genetics/Laboratory Corporation of America, LabCorp
Classification: Benign. Last evaluated: 2026-05-12. Review status: criteria provided, single submitter. Criteria: LabCorp Variant Classification Summary - May 2015. Collection method: clinical testing. Allele origin: germline.

Labcorp Genetics (formerly Invitae), Labcorp
Classification: Benign. Last evaluated: 2026-01-27. Review status: criteria provided, single submitter. Criteria: Invitae Variant Classification Sherloc (09022015). Collection method: clinical testing. Allele origin: germline.

Illumina Laboratory Services, Illumina
Classification: Benign for 3M syndrome 1. Last evaluated: 2018-01-12. Review status: criteria provided, single submitter. Criteria: ICSL Variant Classification Criteria 13 December 2019. Collection method: clinical testing. Allele origin: germline.
Comment: This variant was observed in the ICSL laboratory as part of a predisposition screen in an ostensibly healthy population. It had not been previously curated by ICSL or reported in the Human Gene Mutation Database (HGMD: prior to June 1st, 2018), and was therefore a candidate for classification through an automated scoring system. Utilizing variant allele frequency, disease prevalence and penetrance estimates, and inheritance mode, an automated score was calculated to assess if this variant is too frequent to cause the disease. Based on the score and internal cut-off values, a variant classified as benign is not then subjected to further curation. The score for this variant resulted in a classification of benign for this disease.

Eurofins Ntd Llc (ga)
Classification: Benign. Last evaluated: 2014-12-11. Review status: criteria provided, single submitter. Criteria: EGL Classification Definitions 2015. Collection method: clinical testing. Allele origin: germline. Observed: 1 variant allele, 1 heterozygote.

Dr. Peter K. Rogan Lab, Western University
No classification provided (evidence only). Condition: Clear cell carcinoma of kidney. Review status: no classification provided. Collection method: in vitro. Allele origin: not applicable. Functional consequence: retained intron. Not counted in ClinVar's aggregate classification.

Dr. Peter K. Rogan Lab, Western University
No classification provided (evidence only). Condition: Nonpapillary renal cell carcinoma. Review status: no classification provided. Collection method: in vitro. Allele origin: not applicable. Functional consequence: retained intron. Not counted in ClinVar's aggregate classification.

Dr. Peter K. Rogan Lab, Western University
No classification provided (evidence only). Condition: Thymoma. Review status: no classification provided. Collection method: in vitro. Allele origin: not applicable. Functional consequence: retained intron. Not counted in ClinVar's aggregate classification.

NM_014780.5(CUL7):c.465A>T (p.Gly155=)

Gene: CUL7 (cullin 7; minus strand). Cytogenetic location: 6p21.1.
Variant type: single nucleotide variant.
Coding change: c.465A>T on transcript NM_014780.5 (MANE Select); coding-DNA position 465, A replaced by T.
Protein change: p.Gly155=; no amino-acid change (glycine 155 retained).
Molecular consequence: synonymous variant.
Genome position (GRCh38, 1-based): chr6:43,052,324, T>A on the plus strand (A>T on the coding strand, the complement: CUL7 is on the minus strand). VCF-style: chr6-43052324-T-A. GRCh37 (hg19) VCF-style: chr6-43020062-T-A.
Other names: c.465A>T, p.Gly155= (NM_001168370.2, NM_001374872.1, NM_001374873.1 and 1 more transcripts).
Identifiers: ClinVar variation 195299 (VCV000195299.21), dbSNP rs150212051, ClinGen allele CA201661.